The following is an entry in ClinVar:

ClinVar aggregate classification (germline): Conflicting classifications of pathogenicity. Review status: criteria provided, conflicting classifications (1 of 4 stars). 15 submissions from 15 submitters: Likely pathogenic (2); Uncertain significance (12). 1 of the submissions does not count toward it. Last evaluated 2026-02-04.

Conditions:
MYBPC3-related disorder. Also called: MYBPC3-related condition; MYBPC3-related disease; MYBPC3-related disorders.
Cardiovascular phenotype. Identifiers: MedGen CN230736.
Cardiomyopathy (CMYO). Also called: Cardiomyopathies. Identifiers: Orphanet 167848, MedGen C0878544, MONDO:0004994, HP:0001638. Inheritance: Various modes of inheritance.
Hypertrophic cardiomyopathy 4. Also called: Familial hypertrophic cardiomyopathy 4. Identifiers: MedGen C1861862, MONDO:0007268, OMIM 115197.
Hypertrophic cardiomyopathy. Also called: HYPERTROPHIC MYOCARDIOPATHY. Identifiers: Orphanet 217569, MedGen C0007194, MeSH D002312, MONDO:0005045, HP:0001639.

Allele frequency attached by ClinVar (database versions not stated): gnomAD 0.00004; TOPMed 0.00002.
gnomAD v4.1: 34 of 1,610,558 alleles (0.0021%); highest among the groups gnomAD compares: Admixed American, 0.0034%; no homozygotes.

Submissions 1 to 7 of 15:

PreventionGenetics, part of Exact Sciences
Classification: Uncertain significance for MYBPC3-related condition. Last evaluated: 2026-02-04. Review status: criteria provided, single submitter. Criteria: ACMG Guidelines, 2015. Collection method: clinical testing. Allele origin: germline.
Comment: The MYBPC3 c.3373G>A variant is predicted to result in the amino acid substitution p.Val1125Met. This variant has been reported in the heterozygous state in multiple individuals with hypertrophic cardiomyopathy (HCM; Table S1A & S1B, Walsh et al. 2017. PubMed ID: 27532257; Table S2, Gómez et al. 2017. PubMed ID: 28356264; Table S3, Mazzarotto et al. 2018. PubMed ID: 29875424; Table S3, Helms et al. 2020. PubMed ID: 32841044). In one family, two individuals with severe HCM were compound heterozygous for p.Val1125Met and an MYBPC3 splice variant (c.906‑1G>C), while a relative with borderline hypertrophy carried p.Val1125Met alone (Frank‑Hansen et al. 2008. PubMed ID: 18337725). This variant has also been observed with a second MYBPC3 missense variant in an individual with Fabry disease and severe HCM (Online Table 3, Favalli et al. 2016. PubMed ID: 27585509), in an individual with dilated cardiomyopathy (Mahdieh et al. 2018. PubMed ID: 29493010), as well as in individuals who carried additional cardiac variants and presented with suspected drug‑induced QT elongation (Martinez‑Matilla et al. 2019. PubMed ID: 31376648) and unexplained death (Dewar et al. 2017. PubMed ID: 28807990). This variant is reported in 0.0098% of alleles in individuals of Ashkenazi Jewish descent in gnomAD. At this time, the clinical significance of the MYBPC3 p.Val1125Met variant is uncertain due to the absence of conclusive functional and genetic evidence.

Labcorp Genetics (formerly Invitae), Labcorp
Classification: Likely pathogenic for Hypertrophic cardiomyopathy. Last evaluated: 2026-01-20. Review status: criteria provided, single submitter. Criteria: Invitae Variant Classification Sherloc (09022015). Collection method: clinical testing. Allele origin: germline.
Comment: This sequence change replaces valine, which is neutral and non-polar, with methionine, which is neutral and non-polar, at codon 1125 of the MYBPC3 protein (p.Val1125Met). This variant is present in population databases (rs121909378, gnomAD 0.01%). This missense change has been observed in individuals with MYBPC3-related conditions (PMID: 28356264, 29493010, 33782553; internal data). ClinVar contains an entry for this variant (Variation ID: 8604). An algorithm developed to predict the effect of missense changes on protein structure and function (PolyPhen-2) suggests that this variant is likely to be disruptive. In summary, the currently available evidence indicates that the variant is pathogenic, but additional data are needed to prove that conclusively. Therefore, this variant has been classified as Likely Pathogenic.

Victorian Clinical Genetics Services, Murdoch Childrens Research Institute
Classification: Uncertain significance for Hypertrophic cardiomyopathy 4. Last evaluated: 2025-12-02. Review status: criteria provided, single submitter. Criteria: ACMG Guidelines, 2015. Collection method: clinical testing. Allele origin: germline. Affected: yes.
Comment: This variant is classified as VUS-3B. Evidence in support of pathogenic classification: Variant is present in gnomAD <0.01 (v4: 34 heterozygote(s), 0 homozygote(s)). Additional information: Variant is predicted to result in a missense amino acid change from Val to Met; This variant is heterozygous; This gene is associated with both recessive and dominant disease. Dominant inheritance is frequently reported in adult onset conditions and recessive inheritance results in a more severe early onset phenotype (OMIM); Alternative amino acid change(s) at the same position are present in gnomAD (highest allele count: v4: 12 heterozygote(s), 0 homozygote(s)); Previous evidence of pathogenicity for this variant is inconclusive. This variant has been classified as a VUS by multiple clinical laboratories in ClinVar, as well as likely pathogenic. It has been reported in individuals from large cohorts of patients with HCM (PMIDs: 32841044, 29875424, 28356264), and in an individual with HCM who harboured a pathogenic variant in MYPBC3 (PMID: 18337725). This variant has also been reported in individuals with DCM, which has a limited association with MYPBC3 (PMIDs: 29493010, 25163546, PanelApp), as a secondary finding in individuals without MYPBC3-related symptoms (PMIDs: 39486665, 35629155, 32355288, 26633542), in an individual with Fabry disease who had a pathogenic variant in GLA (PMID: 27585509), and in an individual with assumed drug-induced LQTS (PMID: 31376648); No published functional evidence has been identified for this variant; Other missense variant(s) comparable to the one identified in this case have inconclusive previous evidence for pathogenicity. p.(Val1125Leu) and p.(Val1125Ala) have been classified as VUS by clinical laboratories in ClinVar. p.(Val1125Leu) has also been reported in an individual with HCM, where it was classified as a VUS (PMID: 33495596); Variant is located in the annotated fibronectin type III domain (DECIPHER). - Missense variant with inconclusive in silico prediction and/or uninformative conservation; Loss of function is a known mechanism of disease in this gene and is associated with hypertrophic cardiomyopathy 4 (HCM; MIM#115197); Variants in this gene are known to have variable expressivity (PMID: 32841044); Inheritance information for this variant is not currently available in this individual.

Genomic Medicine Center of Excellence, King Faisal Specialist Hospital and Research Centre
Classification: Likely pathogenic for Hypertrophic cardiomyopathy 4. Last evaluated: 2025-09-10. Review status: criteria provided, single submitter. Criteria: ACMG Guidelines, 2015. Collection method: clinical testing. Allele origin: germline.

Mayo Clinic Laboratories, Mayo Clinic
Classification: Uncertain significance. Last evaluated: 2025-05-29. Review status: criteria provided, single submitter. Criteria: ACMG Guidelines, 2015. Collection method: clinical testing. Allele origin: germline. Observed: 1 variant allele.
Comment: BP4

Molecular Diagnostic Laboratory for Inherited Cardiovascular Disease, Montreal Heart Institute
Classification: Uncertain significance for Cardiovascular phenotype. Last evaluated: 2025-04-09. Review status: criteria provided, single submitter. Criteria: ACMG Guidelines, 2015. Collection method: clinical testing. Allele origin: germline. Affected: yes.

Ambry Genetics
Classification: Uncertain significance for Cardiovascular phenotype. Last evaluated: 2025-01-08. Review status: criteria provided, single submitter. Criteria: Ambry Variant Classification Scheme 2023. Collection method: clinical testing. Allele origin: germline.
Comment: The p.V1125M variant (also known as c.3373G>A), located in coding exon 31 of the MYBPC3 gene, results from a G to A substitution at nucleotide position 3373. The valine at codon 1125 is replaced by methionine, an amino acid with highly similar properties. This variant was reported in individual(s) with features consistent with hypertrophic cardiomyopathy (HCM) and dilated cardiomyopathy (DCM) (G&oacute;mez J et al. Circ Cardiovasc Genet, 2017 Apr;10; Walsh R et al. Genet. Med., 2017 02;19:192-203; Mahdieh N et al. J. Clin. Lab. Anal., 2018 Mar; Mazzarotto F et al. Genet Med. 2019 Feb;21(2):284-292; Helms AS et al. Circ Genom Precis Med. 2020 Oct;13(5):396-405; Ambry internal data). This variant co-occurred with a second MYBPC3 variant in affected members of a family with HCM, while the p.V1125M variant occurred alone in one individual with borderline hypertrophy (Frank-Hansen R et al. Eur. J. Hum. Genet., 2008 Sep;16:1062-9). This variant was reported in an individual with Fabry disease and HCM who also had a GLA mutation and a second MYBPC3 variant (Favalli V et al. J. Am. Coll. Cardiol., 2016 09;68:1037-50). This amino acid position is well conserved in available vertebrate species. In addition, the in silico prediction for this alteration is inconclusive. Based on the available evidence, the clinical significance of this variant remains unclear.

NM_000256.3(MYBPC3):c.3373G>A (p.Val1125Met)

Gene: MYBPC3 (myosin binding protein C3; minus strand). Cytogenetic location: 11p11.2.
Variant type: single nucleotide variant.
Coding change: c.3373G>A on transcript NM_000256.3 (MANE Select); coding-DNA position 3373, G replaced by A.
Protein change: p.Val1125Met; replaces valine 1125 with methionine.
Molecular consequence: missense variant.
Genome position (GRCh38, 1-based): chr11:47,332,931, C>T on the plus strand (G>A on the coding strand, the complement: MYBPC3 is on the minus strand). VCF-style: chr11-47332931-C-T. GRCh37 (hg19) VCF-style: chr11-47354482-C-T.
Other names: p.V1125M:GTG>ATG; short protein forms V1125M.
Identifiers: ClinVar variation 8604 (VCV000008604.38), dbSNP rs121909378, ClinGen allele CA014038.